The following is an entry in ClinVar:

NM_015021.3(ZNF292):c.2982C>A (p.Cys994Ter)

Gene: ZNF292 (zinc finger protein 292; plus strand). Cytogenetic location: 6q14.3.
Variant type: single nucleotide variant.
Coding change: c.2982C>A on transcript NM_015021.3 (MANE Select); coding-DNA position 2982, C replaced by A.
Protein change: p.Cys994Ter; replaces cysteine 994 with a stop codon.
Molecular consequence: nonsense.
Genome position (GRCh38, 1-based): chr6:87,256,611, C>A. VCF-style: chr6-87256611-C-A. GRCh37 (hg19) VCF-style: chr6-87966329-C-A.
Other names: c.2562C>A, p.Cys854Ter (NM_001351444.2); short protein forms C854*, C994*.
Identifiers: ClinVar variation 3037961 (VCV003037961.2), dbSNP rs1775229041, ClinGen allele CA364919225.

ClinVar aggregate classification (germline): Likely pathogenic (0 of 4 stars; one submission).

Conditions:
ZNF292-related disorder. Also called: ZNF292-related condition.

Submission:

PreventionGenetics, part of Exact Sciences
Classification: Likely pathogenic for ZNF292-related condition. Last evaluated: 2024-02-07. Review status: no assertion criteria provided. Collection method: clinical testing. Allele origin: germline.
Comment: The ZNF292 c.2982C>A variant is predicted to result in premature protein termination (p.Cys994*). To our knowledge, this variant has not been reported in the literature or in a large population database, indicating this variant is rare. Nonsense variants in ZNF292 are expected to be pathogenic. This variant is interpreted as likely pathogenic.